The following is an entry in ClinVar:

NM_003322.6(TULP1):c.1163C>A (p.Pro388Gln)

Gene: TULP1 (TUB like protein 1; minus strand). Cytogenetic location: 6p21.31.
Variant type: single nucleotide variant.
Coding change: c.1163C>A on transcript NM_003322.6 (MANE Select); coding-DNA position 1163, C replaced by A.
Protein change: p.Pro388Gln; replaces proline 388 with glutamine.
Molecular consequence: missense variant.
Genome position (GRCh38, 1-based): chr6:35,503,798, G>T on the plus strand (C>A on the coding strand, the complement: TULP1 is on the minus strand). VCF-style: chr6-35503798-G-T. GRCh37 (hg19) VCF-style: chr6-35471575-G-T.
Other names: c.1004C>A, p.Pro335Gln (NM_001289395.2); short protein forms P335Q, P388Q.
Identifiers: ClinVar variation 1049197 (VCV001049197.3), dbSNP rs773239332, ClinGen allele CA3772635.
Genomic context (GRCh38, chr6:35,503,798, plus strand): 5'-TAGATCACAGCTGCCAGCTCCTGCCGAAGGCTTGCCACATTAGTGCTGTACCCACGCTGT[G>T]GGTTCTGCCCGTTGTCAAAGACCGTGAAGCGGTTCCCCAGGAGGTTGGACCTGCAAGCAG-3'
Protein context (NP_003313.3, residues 378-398): RFTVFDNGQN[Pro388Gln]QRGYSTNVAS

ClinVar aggregate classification (germline): Conflicting classifications of pathogenicity. Review status: criteria provided, conflicting classifications (1 of 4 stars). 3 submissions from 3 submitters: Likely pathogenic (1); Uncertain significance (1). 1 of the submissions does not count toward it. Last evaluated 2024-10-25.

Conditions:
TULP1-related disorder. Also called: TULP1-related disorders; TULP1-related condition.

Allele frequency attached by ClinVar (database versions not stated): TOPMed below 0.00001; ExAC 0.00001; gnomAD 0.00001; gnomAD exomes 0.00001.
gnomAD v4.1: 13 of 1,613,248 alleles (0.00081%); highest among the groups gnomAD compares: Non-Finnish European, 0.0011%; no homozygotes.

Submissions (3):

Women's Health and Genetics/Laboratory Corporation of America, LabCorp
Classification: Uncertain significance. Last evaluated: 2024-10-25. Review status: criteria provided, single submitter. Criteria: LabCorp Variant Classification Summary - May 2015. Collection method: clinical testing. Allele origin: germline.
Comment: Variant summary: TULP1 c.1163C>A (p.Pro388Gln) results in a non-conservative amino acid change located in the Tubby, C-terminal domain (IPR000007) of the encoded protein sequence. Five of five in-silico tools predict a damaging effect of the variant on protein function. The variant was absent in 249886 control chromosomes. c.1163C>A has been reported in the literature in a homozygous individual and a compound heterozygous individual affected with Leber Congenital Amaurosis (Bodenbender_2023, Weisschuh_2024). These data indicate that the variant may be associated with disease. To our knowledge, no experimental evidence demonstrating an impact on protein function has been reported. The following publications have been ascertained in the context of this evaluation (PMID: 36769033, 37734845). ClinVar contains an entry for this variant (Variation ID: 1049197). Based on the evidence outlined above, the variant was classified as VUS-possibly pathogenic.

Blueprint Genetics
Classification: Likely pathogenic for TULP1-related disorders. Last evaluated: 2020-01-21. Review status: criteria provided, single submitter. Criteria: ACMG Guidelines, 2015. Collection method: clinical testing. Allele origin: germline. Affected: yes. Observed: 1 variant allele.

Department of Pathology and Laboratory Medicine, Sinai Health System
Classification: Uncertain significance. Review status: no assertion criteria provided. Collection method: clinical testing. Allele origin: unknown. Affected: yes. Study: The Canadian Open Genetics Repository (COGR). Not counted in ClinVar's aggregate classification.
Comment: The TULP1 p.Pro388Gln variant was not identified in the literature nor was it identified in ClinVar. The variant was identified in dbSNP (ID: rs773239332) but was not identified in the following control databases: the 1000 Genomes Project, the NHLBI GO Exome Sequencing Project, or the Genome Aggregation Database (March 6, 2019, v2.1.1). The p.Pro388 residue is conserved in mammals but not in more distantly related organisms, and four out of five computational analyses (PolyPhen-2, SIFT, AlignGVGD, BLOSUM, MutationTaster) suggest that the variant may impact the protein; however, this information is not predictive enough to assume pathogenicity. The variant occurs outside of the splicing consensus sequence and in silico or computational prediction software programs (SpliceSiteFinder, MaxEntScan, NNSPLICE, GeneSplicer) do not predict a difference in splicing. In summary, based on the above information the clinical significance of this variant cannot be determined with certainty at this time. This variant is classified as a variant of uncertain significance.

Literature cited by the submitters: PubMed 37734845 (cited by Women's Health and Genetics/Laboratory Corporation of America, LabCorp); PubMed 36769033 (cited by Women's Health and Genetics/Laboratory Corporation of America, LabCorp).